The following is an entry in ClinVar:

ClinVar aggregate classification (germline): Conflicting classifications of pathogenicity. Review status: criteria provided, conflicting classifications (1 of 4 stars). 3 submissions from 3 submitters: Uncertain significance (1); Likely benign (2). Last evaluated 2024-07-09.

Conditions:
Inborn genetic diseases. Identifiers: MedGen C0950123, MeSH D030342.

Allele frequency attached by ClinVar (database versions not stated): gnomAD 0.00002; TOPMed 0.00002; gnomAD exomes 0.00004.
gnomAD v4.1: 47 of 1,209,065 alleles (0.0039%); highest among the groups gnomAD compares: Non-Finnish European, 0.0051%; no homozygotes.

Submissions (3):

Labcorp Genetics (formerly Invitae), Labcorp
Classification: Uncertain significance. Last evaluated: 2024-07-09. Review status: criteria provided, single submitter. Criteria: Invitae Variant Classification Sherloc (09022015). Collection method: clinical testing. Allele origin: germline.
Comment: This sequence change replaces isoleucine, which is neutral and non-polar, with threonine, which is neutral and polar, at codon 844 of the GRIA3 protein (p.Ile844Thr). This variant is present in population databases (no rsID available, gnomAD 0.005%). This variant has not been reported in the literature in individuals affected with GRIA3-related conditions. ClinVar contains an entry for this variant (Variation ID: 1792705). Advanced modeling of protein sequence and biophysical properties (such as structural, functional, and spatial information, amino acid conservation, physicochemical variation, residue mobility, and thermodynamic stability) performed at Invitae indicates that this missense variant is not expected to disrupt GRIA3 protein function with a negative predictive value of 80%. In summary, the available evidence is currently insufficient to determine the role of this variant in disease. Therefore, it has been classified as a Variant of Uncertain Significance.

Blueprint Genetics
Classification: Likely benign. Last evaluated: 2018-05-21. Review status: criteria provided, single submitter. Criteria: ACMG Guidelines, 2015. Collection method: clinical testing. Allele origin: germline.

Ambry Genetics
Classification: Likely benign for Inborn genetic diseases. Last evaluated: 2018-05-04. Review status: criteria provided, single submitter. Criteria: Ambry Variant Classification Scheme 2023. Collection method: clinical testing. Allele origin: germline.

NM_007325.5(GRIA3):c.2531T>C (p.Ile844Thr)

Gene: GRIA3 (glutamate ionotropic receptor AMPA type subunit 3; plus strand). Cytogenetic location: Xq25.
Variant type: single nucleotide variant.
Coding change: c.2531T>C on transcript NM_007325.5 (MANE Select); coding-DNA position 2531, T replaced by C.
Protein change: p.Ile844Thr; replaces isoleucine 844 with threonine.
Molecular consequence: missense variant.
Genome position (GRCh38, 1-based): chrX:123,482,890, T>C. VCF-style: chrX-123482890-T-C. GRCh37 (hg19) VCF-style: chrX-122616741-T-C.
Other names: c.2531T>C, p.Ile844Thr (NM_000828.5); short protein forms I844T.
Identifiers: ClinVar variation 1792705 (VCV001792705.8), dbSNP rs1167058263, ClinGen allele CA414255954.